The following is an entry in ClinVar:

ClinVar aggregate classification (germline): Uncertain significance (1 of 4 stars; one submission).

Conditions:
Imerslund-Grasbeck syndrome. Also called: Megaloblastic anemia due to inborn errors of metabolism; Imerslund-Gräsbeck syndrome; ENTEROCYTE COBALAMIN MALABSORPTION; ENTEROCYTE INTRINSIC FACTOR RECEPTOR, DEFECT OF; PERNICIOUS ANEMIA, JUVENILE, DUE TO SELECTIVE INTESTINAL MALABSORPTION OF VITAMIN B12, WITH PROTEINURIA. Identifiers: Orphanet 35858, MedGen C4551825, MONDO:0009853.

Submission:

Labcorp Genetics (formerly Invitae), Labcorp
Classification: Uncertain significance for Imerslund-Grasbeck syndrome. Last evaluated: 2021-12-02. Review status: criteria provided, single submitter. Criteria: Invitae Variant Classification Sherloc (09022015). Collection method: clinical testing. Allele origin: germline.
Comment: This sequence change replaces leucine, which is neutral and non-polar, with proline, which is neutral and non-polar, at codon 2155 of the CUBN protein (p.Leu2155Pro). This variant is not present in population databases (gnomAD no frequency). This variant has not been reported in the literature in individuals affected with CUBN-related conditions. Algorithms developed to predict the effect of missense changes on protein structure and function (SIFT, PolyPhen-2, Align-GVGD) all suggest that this variant is likely to be disruptive. In summary, the available evidence is currently insufficient to determine the role of this variant in disease. Therefore, it has been classified as a Variant of Uncertain Significance.

NM_001081.4(CUBN):c.6464T>C (p.Leu2155Pro)

Gene: CUBN (cubilin; minus strand). Cytogenetic location: 10p13.
Variant type: single nucleotide variant.
Coding change: c.6464T>C on transcript NM_001081.4 (MANE Select); coding-DNA position 6464, T replaced by C.
Protein change: p.Leu2155Pro; replaces leucine 2155 with proline.
Molecular consequence: missense variant.
Genome position (GRCh38, 1-based): chr10:16,925,423, A>G on the plus strand (T>C on the coding strand, the complement: CUBN is on the minus strand). VCF-style: chr10-16925423-A-G. GRCh37 (hg19) VCF-style: chr10-16967422-A-G.
Other names: short protein forms L2155P.
Identifiers: ClinVar variation 1450143 (VCV001450143.6), dbSNP rs2131581941, ClinGen allele CA376151141.